The following is an entry in ClinVar:

NM_001308093.3(GATA4):c.786+8C>T

Gene: GATA4 (GATA binding protein 4). Cytogenetic location: 8p23.1.
Variant type: single nucleotide variant.
Coding change: c.786+8C>T on transcript NM_001308093.3 (MANE Select); 8 bases into the intron after coding-DNA position 786, C replaced by T.
Molecular consequence: intron variant.
Genome position (GRCh38, 1-based): chr8:11,749,093, C>T. VCF-style: chr8-11749093-C-T. GRCh37 (hg19) VCF-style: chr8-11606602-C-T.
Other names: c.165+8C>T (NM_001308094.2, NM_001374274.1, NM_001374273.1); c.783+8C>T (NM_002052.5, NM_002052.4).
Identifiers: ClinVar variation 699683 (VCV000699683.13), dbSNP rs371709162, ClinGen allele CA4630676.

ClinVar aggregate classification (germline): Likely benign. Review status: criteria provided, single submitter (1 of 4 stars). 2 submissions from 2 submitters: Likely benign (1). 1 of the submissions does not count toward it. Last evaluated 2025-12-03.

Conditions:
Atrioventricular septal defect 4 (AVSD4). Identifiers: MedGen C3280781, MONDO:0013747, OMIM 614430.
GATA4-related disorder. Also called: GATA4-related condition. Identifiers: MedGen CN860321.

Allele frequency attached by ClinVar (database versions not stated): gnomAD exomes 0.00003 and 0.00006; ExAC 0.00005; 1000 Genomes Project 0.00020; TOPMed 0.00020; gnomAD 0.00029; 1000 Genomes Project 30x 0.00031; ESP Exome Variant Server 0.00038.
gnomAD v4.1: 82 of 1,613,868 alleles (0.0051%); highest among the groups gnomAD compares: African/African-American, 0.069%; no homozygotes.

Submissions (2):

Labcorp Genetics (formerly Invitae), Labcorp
Classification: Likely benign for Atrioventricular septal defect 4. Last evaluated: 2025-12-03. Review status: criteria provided, single submitter. Criteria: Invitae Variant Classification Sherloc (09022015). Collection method: clinical testing. Allele origin: germline.

PreventionGenetics, part of Exact Sciences
Classification: Likely benign for GATA4-related condition. Last evaluated: 2024-04-19. Review status: no assertion criteria provided. Collection method: clinical testing. Allele origin: germline. Not counted in ClinVar's aggregate classification.
Comment: This variant is classified as likely benign based on ACMG/AMP sequence variant interpretation guidelines (Richards et al. 2015 PMID: 25741868, with internal and published modifications).